The following is an entry in ClinVar:

NM_000038.6(APC):c.835-5123C>T

Gene: APC (APC regulator of WNT signaling pathway; plus strand). Cytogenetic location: 5q22.2.
Variant type: single nucleotide variant.
Coding change: c.835-5123C>T on transcript NM_000038.6 (MANE Select); 5123 bases into the intron before coding-DNA position 835, C replaced by T.
Molecular consequence: intron variant.
Genome position (GRCh38, 1-based): chr5:112,810,372, C>T. VCF-style: chr5-112810372-C-T. GRCh37 (hg19) VCF-style: chr5-112146069-C-T.
Other names: c.835-5123C>T (NM_001354895.2, NM_001127510.3, NM_001354896.2 and 1 more transcripts); c.865-5123C>T (NM_001354897.2, NM_001354902.2); c.781-5123C>T (NM_001127511.3); c.760-5123C>T (NM_001354898.2, NM_001354904.2); c.-16+61C>T (NM_001354906.2); c.751-5123C>T (NM_001354899.2); c.658-5123C>T (NM_001354900.2, NM_001354901.2, NM_001354905.2).
Identifiers: ClinVar variation 82541 (VCV000082541.2), dbSNP rs75781702, ClinGen allele CA015271.

ClinVar aggregate classification (germline): other (0 of 4 stars; one submission).

Conditions:
Familial colorectal cancer. Identifiers: MedGen CN280943, MONDO:0023113. Disease mechanism: loss of function.

gnomAD v4.1: 1 of 232,024 alleles (0.00043%); no homozygotes.

Submission:

Systems Biology Platform Zhejiang California International NanoSystems Institute
Classification: other for Familial colorectal cancer. Review status: no assertion criteria provided. Collection method: not provided. Allele origin: unknown.
ClinVar note: Converted during submission from cancer to other.